The following is an entry in ClinVar:

NM_002474.3(MYH11):c.2653-6G>A

Gene: MYH11 (myosin heavy chain 11; minus strand). Cytogenetic location: 16p13.11.
Variant type: single nucleotide variant.
Coding change: c.2653-6G>A on transcript NM_002474.3 (MANE Select); 6 bases into the intron before coding-DNA position 2653, G replaced by A.
Molecular consequence: intron variant.
Genome position (GRCh38, 1-based): chr16:15,741,675, C>T on the plus strand (G>A on the coding strand, the complement: MYH11 is on the minus strand). VCF-style: chr16-15741675-C-T. GRCh37 (hg19) VCF-style: chr16-15835532-C-T.
Other names: c.2653-6G>A (NM_022844.3); c.2674-6G>A (NM_001040114.2, NM_001040113.2).
Identifiers: ClinVar variation 516523 (VCV000516523.19), dbSNP rs200637980, ClinGen allele CA7922191.

ClinVar aggregate classification (germline): Conflicting classifications of pathogenicity. Review status: criteria provided, conflicting classifications (1 of 4 stars). 7 submissions from 7 submitters: Uncertain significance (1); Benign (1); Likely benign (5). Last evaluated 2026-09-01.

Conditions:
Familial thoracic aortic aneurysm and aortic dissection (TAAD). Also called: Thoracic aortic aneurysms and dissections. Identifiers: Orphanet 91387, MedGen C4707243, MONDO:0019625.
Aortic aneurysm, familial thoracic 4 (AAT4). Also called: AORTIC ANEURYSM/AORTIC DISSECTION AND PATENT DUCTUS ARTERIOSUS. Identifiers: MedGen C1851504, MONDO:0007568, OMIM 132900.

Allele frequency attached by ClinVar (database versions not stated): TOPMed 0.00010.
gnomAD v4.1: 140 of 1,613,818 alleles (0.0087%); highest among the groups gnomAD compares: Admixed American, 0.018%; no homozygotes.

Submissions (7):

CeGaT Center for Human Genetics Tuebingen
Classification: Likely benign. Last evaluated: 2026-09-01. Review status: criteria provided, single submitter. Criteria: CeGaT Center For Human Genetics Tuebingen Variant Classification Criteria Version 2. Collection method: clinical testing. Allele origin: germline. Affected: yes. Observed: 2 variant alleles.
Comment: MYH11: BP4

Labcorp Genetics (formerly Invitae), Labcorp
Classification: Likely benign for Aortic aneurysm, familial thoracic 4. Last evaluated: 2026-02-02. Review status: criteria provided, single submitter. Criteria: Invitae Variant Classification Sherloc (09022015). Collection method: clinical testing. Allele origin: germline.

Blueprint Genetics
Classification: Likely benign. Last evaluated: 2024-07-04. Review status: criteria provided, single submitter. Criteria: ACMG Guidelines, 2015. Collection method: clinical testing. Allele origin: germline.

All of Us Research Program, National Institutes of Health
Classification: Likely benign for Familial thoracic aortic aneurysm and aortic dissection. Last evaluated: 2024-01-11. Review status: criteria provided, single submitter. Criteria: ACMG Guidelines, 2015. Collection method: clinical testing. Allele origin: germline. Inheritance: Autosomal dominant inheritance. Observed: 28 variant alleles, 28 heterozygotes.
Comment: This study involves interpretation of variants in research participants for the purpose of population health screening. Participant phenotype was not available at the time of variant classification. Additional details can be found in publication PMID: 35346344, PMCID: PMC8962531

CHEO Genetics Diagnostic Laboratory, Children's Hospital of Eastern Ontario
Classification: Uncertain significance for Familial thoracic aortic aneurysm and aortic dissection. Last evaluated: 2021-05-25. Review status: criteria provided, single submitter. Criteria: ACMG Guidelines, 2015. Collection method: clinical testing. Allele origin: germline.

Color Diagnostics, LLC DBA Color Health
Classification: Likely benign for Familial thoracic aortic aneurysm and aortic dissection. Last evaluated: 2018-11-16. Review status: criteria provided, single submitter. Criteria: ACMG Guidelines, 2015. Collection method: clinical testing. Allele origin: germline.

GeneDx
Classification: Benign. Last evaluated: 2017-03-28. Review status: criteria provided, single submitter. Criteria: GeneDx Variant Classification (06012015). Collection method: clinical testing. Allele origin: germline. Affected: yes.
Comment: This variant is considered likely benign or benign based on one or more of the following criteria: it is a conservative change, it occurs at a poorly conserved position in the protein, it is predicted to be benign by multiple in silico algorithms, and/or has population frequency not consistent with disease.